The following is an entry in ClinVar:

ClinVar aggregate classification (germline): Uncertain significance. Review status: criteria provided, multiple submitters, no conflicts (2 of 4 stars). 2 submissions from 2 submitters: Uncertain significance (2). Last evaluated 2025-03-11.

Conditions:
Inborn genetic diseases. Identifiers: MedGen C0950123, MeSH D030342.
Holocarboxylase synthetase deficiency. Also called: MULTIPLE CARBOXYLASE DEFICIENCY, EARLY ONSET. Identifiers: Orphanet 79242, MedGen C0268581, MONDO:0009666, OMIM 253270.

Allele frequency attached by ClinVar (database versions not stated): gnomAD 0.00001; gnomAD exomes 0.00001; TOPMed 0.00003; ESP Exome Variant Server 0.00008.
gnomAD v4.1: 14 of 1,614,004 alleles (0.00087%); highest among the groups gnomAD compares: African/African-American, 0.0013%; no homozygotes.

Submissions (2):

Ambry Genetics
Classification: Uncertain significance for Inborn genetic diseases. Last evaluated: 2025-03-11. Review status: criteria provided, single submitter. Criteria: Ambry Variant Classification Scheme 2023. Collection method: clinical testing. Allele origin: germline.

Labcorp Genetics (formerly Invitae), Labcorp
Classification: Uncertain significance for Holocarboxylase synthetase deficiency. Last evaluated: 2023-08-24. Review status: criteria provided, single submitter. Criteria: Invitae Variant Classification Sherloc (09022015). Collection method: clinical testing. Allele origin: germline.
Comment: In summary, the available evidence is currently insufficient to determine the role of this variant in disease. Therefore, it has been classified as a Variant of Uncertain Significance. Advanced modeling of protein sequence and biophysical properties (such as structural, functional, and spatial information, amino acid conservation, physicochemical variation, residue mobility, and thermodynamic stability) performed at Invitae indicates that this missense variant is not expected to disrupt HLCS protein function. This variant has not been reported in the literature in individuals affected with HLCS-related conditions. This variant is present in population databases (rs138171491, gnomAD 0.0009%). This sequence change replaces aspartic acid, which is acidic and polar, with asparagine, which is neutral and polar, at codon 171 of the HLCS protein (p.Asp171Asn).

NM_001352514.2(HLCS):c.952G>A (p.Asp318Asn)

Gene: HLCS (holocarboxylase synthetase; minus strand). Cytogenetic location: 21q22.13.
Variant type: single nucleotide variant.
Coding change: c.952G>A on transcript NM_001352514.2 (MANE Select); coding-DNA position 952, G replaced by A.
Protein change: p.Asp318Asn; replaces aspartic acid 318 with asparagine.
Molecular consequence: missense variant. On other transcripts: non-coding transcript variant (2).
Genome position (GRCh38, 1-based): chr21:36,936,934, C>T on the plus strand (G>A on the coding strand, the complement: HLCS is on the minus strand). VCF-style: chr21-36936934-C-T. GRCh37 (hg19) VCF-style: chr21-38309234-C-T.
Other names: c.511G>A (NM_000411.6); c.511G>A, p.Asp171Asn (NM_000411.8, NM_001242784.3, NM_001242785.2 and 4 more transcripts); short protein forms D318N, D171N.
Identifiers: ClinVar variation 2725471 (VCV002725471.2), dbSNP rs138171491, ClinGen allele CA320395621.